The following is an entry in ClinVar:

ClinVar aggregate classification (germline): Pathogenic/Likely pathogenic. Review status: criteria provided, multiple submitters, no conflicts (2 of 4 stars). 5 submissions from 5 submitters: Pathogenic (3); Likely pathogenic (2). Last evaluated 2026-01-27.

Conditions:
SEC23B-related disorder. Also called: SEC23B-related condition; SEC23B-related disorders.
Cowden syndrome 7 (CWS7). Identifiers: Orphanet 201, MedGen C4225179, MONDO:0014802, OMIM 616858.
Congenital dyserythropoietic anemia, type II (CDAN2). Also called: DYSERYTHROPOIETIC ANEMIA, HEMPAS TYPE. Identifiers: Orphanet 98873, MedGen C1306589, MONDO:0009134, OMIM 224100.

Allele frequency attached by ClinVar (database versions not stated): ExAC 0.00002; TOPMed 0.00010; ESP Exome Variant Server 0.00015; gnomAD exomes 0.00006; gnomAD 0.00008.
gnomAD v4.1: 98 of 1,613,960 alleles (0.0061%); highest among the groups gnomAD compares: Admixed American, 0.027%; no homozygotes.

Submissions (5):

Labcorp Genetics (formerly Invitae), Labcorp
Classification: Pathogenic for Congenital dyserythropoietic anemia, type II; Cowden syndrome 7. Last evaluated: 2026-01-27. Review status: criteria provided, single submitter. Criteria: Invitae Variant Classification Sherloc (09022015). Collection method: clinical testing. Allele origin: germline.
Comment: This sequence change affects an acceptor splice site in intron 7 of the SEC23B gene. It is expected to disrupt RNA splicing. Variants that disrupt the donor or acceptor splice site typically lead to a loss of protein function (PMID: 16199547), and loss-of-function variants in SEC23B are known to be pathogenic (PMID: 19561605, 25044164). This variant is present in population databases (rs371646735, gnomAD 0.01%). Disruption of this splice site has been observed in individuals with congenital dyserythropoietic anemia type II (PMID: 27471141, 29901818). ClinVar contains an entry for this variant (Variation ID: 2922725). Algorithms developed to predict the effect of sequence changes on RNA splicing suggest that this variant may disrupt the consensus splice site. For these reasons, this variant has been classified as Pathogenic.

BloodGenetics
Classification: Pathogenic for Congenital dyserythropoietic anemia, type II. Last evaluated: 2025-03-12. Review status: criteria provided, single submitter. Criteria: ACMG Guidelines, 2015. Collection method: clinical testing. Allele origin: germline. Affected: yes. Observed: 1 variant allele.
Comment: The NM_006363.6(SEC23B): c.835-2A>G splicing variant affects an acceptor splice site in intron 7 of the SEC23B gene. It is expected to disrupt RNA splicing. It has been previously reported in a patient affected with congenital dyserythropoietic anemia (CDA) type II (PMID: 27471141). This variant is reported as pathogenic and likely pathogenic by 2 laboratories in ClinVar (VCV.version: VCV002922725.3). This variant is present in population databases (rs371646735, gnomAD 0.01%). This case is published in paper PMID: 37373084. In summary, this variant meets criteria to be classified as pathogenic for CDA type II based on the ACMG/AMP criteria applied: PVS1 very strong, PM2supporting, PP5supporting.

PreventionGenetics, part of Exact Sciences
Classification: Pathogenic for SEC23B-related condition. Last evaluated: 2025-01-09. Review status: criteria provided, single submitter. Criteria: ACMG Guidelines, 2015. Collection method: clinical testing. Allele origin: germline.
Comment: The SEC23B c.835-2A>G variant is predicted to disrupt the AG splice acceptor site and interfere with normal splicing. This variant has been reported in individuals with congenital dyserythropoietic anemia (Table S3, Bianchi et al. 2016. PubMed ID: 27471141; Moreno-Carralero et al. 2018. PubMed ID: 29901818). This variant is reported in 0.014% of alleles in individuals of Latino descent in gnomAD. Variants that disrupt the consensus splice acceptor site in SEC23B are expected to be pathogenic. This variant is interpreted as pathogenic.

Women's Health and Genetics/Laboratory Corporation of America, LabCorp
Classification: Likely pathogenic for Congenital dyserythropoietic anemia, type II. Last evaluated: 2025-01-07. Review status: criteria provided, single submitter. Criteria: LabCorp Variant Classification Summary - May 2015. Collection method: clinical testing. Allele origin: germline.
Comment: Variant summary: SEC23B c.835-2A>G is located in a canonical splice-site and is predicted to affect mRNA splicing resulting in a significantly altered protein due to either exon skipping, shortening, or inclusion of intronic material. Variants that disrupt the consensus splice site are a relatively common cause of aberrant splicing and loss of SEC23B function. Several computational tools predict a significant impact on normal splicing: Four predict the variant abolishes a 3' acceptor site. However, these predictions have yet to be confirmed by functional studies. The variant allele was found at a frequency of 4.4e-05 in 251454 control chromosomes. This frequency is not significantly higher than estimated for a pathogenic variant in SEC23B causing Congenital dyserythropoietic anemia, type II, allowing no conclusion about variant significance. c.835-2A>G has been reported in the literature in the heterozygous and compound heterozygous state in individuals affected with Congenital dyserythropoietic anemia, type II (Bianchi_2016, Musri_2023). These report(s) do not provide unequivocal conclusions about association of the variant with Congenital dyserythropoietic anemia, type II. To our knowledge, no experimental evidence demonstrating an impact on protein function has been reported. The following publications have been ascertained in the context of this evaluation (PMID: 27471141, 37373084). ClinVar contains an entry for this variant (Variation ID: 2922725). Based on the evidence outlined above, the variant was classified as likely pathogenic.

Blueprint Genetics
Classification: Likely pathogenic for SEC23B-related disorders. Last evaluated: 2022-07-15. Review status: criteria provided, single submitter. Criteria: ACMG Guidelines, 2015. Collection method: clinical testing. Allele origin: germline. Affected: yes. Observed: 2 variant alleles.

Literature cited by the submitters: PubMed 16199547 (cited by Labcorp Genetics (formerly Invitae), Labcorp); PubMed 19561605 (cited by Labcorp Genetics (formerly Invitae), Labcorp); PubMed 25044164 (cited by Labcorp Genetics (formerly Invitae), Labcorp); PubMed 27471141 (cited by Labcorp Genetics (formerly Invitae), Labcorp and Women's Health and Genetics/Laboratory Corporation of America, LabCorp); PubMed 29901818 (cited by Labcorp Genetics (formerly Invitae), Labcorp); PubMed 37373084 (cited by BloodGenetics and Women's Health and Genetics/Laboratory Corporation of America, LabCorp).

NM_006363.6(SEC23B):c.835-2A>G

Gene: SEC23B (SEC23 homolog B, COPII component; plus strand). Cytogenetic location: 20p11.23.
Variant type: single nucleotide variant.
Coding change: c.835-2A>G on transcript NM_006363.6 (MANE Select); the canonical splice acceptor site of the intron before coding-DNA position 835, A replaced by G.
Molecular consequence: splice acceptor variant.
Genome position (GRCh38, 1-based): chr20:18,526,371, A>G. VCF-style: chr20-18526371-A-G. GRCh37 (hg19) VCF-style: chr20-18507015-A-G.
Other names: c.835-2A>G (NM_006363.4, NM_032986.5, NM_001172745.3 and 1 more transcripts); c.781-2A>G (NM_001172746.3).
Identifiers: ClinVar variation 2922725 (VCV002922725.8), dbSNP rs371646735, ClinGen allele CA9778152.